The following is an entry in ClinVar:

NM_002609.4(PDGFRB):c.3288G>A (p.Ala1096=)

Gene: PDGFRB (platelet derived growth factor receptor beta; minus strand). Cytogenetic location: 5q32.
Variant type: single nucleotide variant.
Coding change: c.3288G>A on transcript NM_002609.4 (MANE Select); coding-DNA position 3288, G replaced by A.
Protein change: p.Ala1096=; no amino-acid change (alanine 1096 retained).
Molecular consequence: synonymous variant.
Genome position (GRCh38, 1-based): chr5:150,115,796, C>T on the plus strand (G>A on the coding strand, the complement: PDGFRB is on the minus strand). VCF-style: chr5-150115796-C-T. GRCh37 (hg19) VCF-style: chr5-149495359-C-T.
Other names: c.3096G>A, p.Ala1032= (NM_001355016.2); c.2805G>A, p.Ala935= (NM_001355017.2); c.3288G>A (NM_002609.3).
Identifiers: ClinVar variation 2140980 (VCV002140980.6), dbSNP rs140615815, ClinGen allele CA3507358.
Genomic context (GRCh38, chr5:150,115,796, plus strand): 5'-AGGCAGGGCAGGGTAGGGGCCAGCCCCCTACAGGAAGCTATCCTCTGCTTCCGCCCGAGG[C>T]GCAGGGCACCCCGAATCCGGCAACTGTTCCAGCTCTGGCTCCGGCTCCACCTGGAGCTCA-3'
Protein context (NP_002600.1, residues 1086-1106): LEQLPDSGCP[Ala1096=]PRAEAEDSFL

ClinVar aggregate classification (germline): Benign. Review status: criteria provided, single submitter (1 of 4 stars). 2 submissions from 2 submitters: Benign (1). 1 of the submissions does not count toward it. Last evaluated 2022-09-02.

Conditions:
PDGFRB-related disorder. Also called: PDGFRB-related condition.
Infantile myofibromatosis (IMF). Also called: Congenital generalized fibromatosis. Identifiers: Orphanet 2591, MedGen C0432284, MONDO:0016824.
Skeletal overgrowth-craniofacial dysmorphism-hyperelastic skin-white matter lesions syndrome. Also called: SKELETAL OVERGROWTH WITH FACIAL DYSMORPHISM, HYPERELASTIC SKIN, WHITE MATTER LESIONS, AND NEUROLOGIC DETERIORATION; Kosaki overgrowth syndrome. Identifiers: Orphanet 477831, MedGen C4225270, MONDO:0014704, OMIM 616592.
Basal ganglia calcification, idiopathic, 4 (PFBC4). Also called: Familial Idiopathic Basal Ganglia Calcification 4; PRIMARY FAMILIAL BRAIN CALCIFICATION 4, AUTOSOMAL DOMINANT. Identifiers: Orphanet 1980, MedGen C3554321, MONDO:0014004, OMIM 615007.
Acroosteolysis-keloid-like lesions-premature aging syndrome. Also called: Premature aging syndrome, Penttinen type; Prematurely aged appearance, delayed bone maturation, acro-osteolysis, and brachydactyly; Progeroid syndrome, Penttinen type. Identifiers: Orphanet 363665, MedGen C1866182, MONDO:0011150, OMIM 601812.

Allele frequency attached by ClinVar (database versions not stated): gnomAD exomes 0.00001; ExAC 0.00003; gnomAD 0.00014; ESP Exome Variant Server 0.00008; TOPMed 0.00009.
gnomAD v4.1: 43 of 1,611,308 alleles (0.0027%); highest among the groups gnomAD compares: African/African-American, 0.028%; no homozygotes.

Submissions (2):

Labcorp Genetics (formerly Invitae), Labcorp
Classification: Benign for Basal ganglia calcification, idiopathic, 4; Skeletal overgrowth-craniofacial dysmorphism-hyperelastic skin-white matter lesions syndrome; Infantile myofibromatosis; Acroosteolysis-keloid-like lesions-premature aging syndrome. Last evaluated: 2022-09-02. Review status: criteria provided, single submitter. Criteria: Invitae Variant Classification Sherloc (09022015). Collection method: clinical testing. Allele origin: germline.

PreventionGenetics, part of Exact Sciences
Classification: Likely benign for PDGFRB-related condition. Last evaluated: 2022-09-07. Review status: no assertion criteria provided. Collection method: clinical testing. Allele origin: germline. Not counted in ClinVar's aggregate classification.
Comment: This variant is classified as likely benign based on ACMG/AMP sequence variant interpretation guidelines (Richards et al. 2015 PMID: 25741868, with internal and published modifications).